The following is an entry in ClinVar:

NM_004281.4(BAG3):c.451_452inv (p.Cys151His)

Gene: BAG3 (BAG cochaperone 3; plus strand). Cytogenetic location: 10q26.11.
Variant type: Inversion.
Coding change: c.451_452inv on transcript NM_004281.4 (MANE Select).
Protein change: p.Cys151His; replaces cysteine 151 with histidine.
Molecular consequence: missense variant.
Genome position: GRCh38 VCF-style: chr10-119670121-TG-CA. GRCh37 (hg19) VCF-style: chr10-121429633-TG-CA.
Other names: c.451_452delTGinsCA (NM_004281.3); c.451_452delinsCA (NM_004281.3); short protein forms C151H.
Identifiers: ClinVar variation 652124 (VCV000652124.18), ClinGen allele CA915948732.
Genomic context (GRCh38, chr10:119,670,121, plus strand): 5'-CCTCAGAGGTCCCAGTCACCTCTGCGGGGCATGCCAGAAACCACTCAGCCAGATAAACAG[TG>CA]TGGACAGGTGGCAGCGGCGGCGGCAGCCCAGCCCCCAGCCTCCCACGGACCTGAGGTAAG-3'
Protein context (NP_004272.2, residues 141-161): MPETTQPDKQ[Cys151His]GQVAAAAAAQ

ClinVar aggregate classification (germline): Uncertain significance. Review status: criteria provided, multiple submitters, no conflicts (2 of 4 stars). 5 submissions from 5 submitters: Uncertain significance (4). 1 of the submissions does not count toward it. Last evaluated 2025-10-17.

Conditions:
BAG3-related disorder. Also called: BAG3-related condition.
Cardiovascular phenotype. Identifiers: MedGen CN230736.
Dilated cardiomyopathy 1HH (CMD1HH). Identifiers: Orphanet 154, MedGen C3151293, MONDO:0013479, OMIM 613881.
Myofibrillar myopathy 6. Identifiers: Orphanet 199340, MedGen C2751831, MONDO:0013061, OMIM 612954.

Submissions (5):

Labcorp Genetics (formerly Invitae), Labcorp
Classification: Uncertain significance for Dilated cardiomyopathy 1HH; Myofibrillar myopathy 6. Last evaluated: 2025-10-17. Review status: criteria provided, single submitter. Criteria: Invitae Variant Classification Sherloc (09022015). Collection method: clinical testing. Allele origin: germline.
Comment: This sequence change replaces cysteine, which is neutral and slightly polar, with histidine, which is basic and polar, at codon 151 of the BAG3 protein (p.Cys151His). The frequency data for this variant in the population databases is considered unreliable, as metrics indicate poor data quality at this position in the gnomAD database. This variant has not been reported in the literature in individuals affected with BAG3-related conditions. ClinVar contains an entry for this variant (Variation ID: 652124). An algorithm developed to predict the effect of missense changes on protein structure and function (PolyPhen-2) suggests that this variant is likely to be disruptive. In summary, the available evidence is currently insufficient to determine the role of this variant in disease. Therefore, it has been classified as a Variant of Uncertain Significance.

Ambry Genetics
Classification: Uncertain significance for Cardiovascular phenotype. Last evaluated: 2024-12-26. Review status: criteria provided, single submitter. Criteria: Ambry Variant Classification Scheme 2023. Collection method: clinical testing. Allele origin: germline.
Comment: The c.451_452delTGinsCA variant (also known as p.C151H), located in coding exon 2 of the BAG3 gene, results from an in-frame deletion of TG and insertion of CA at nucleotide positions 451 to 452. This results in the substitution of the cysteine residue for a histidine residue at codon 151, an amino acid with highly dissimilar properties. The p.C151H variant co-occurred with a TTN frameshift variant in an individual with dilated cardiomyopathy (Pe&ntilde;a-Pe&ntilde;a ML et al. Med Clin (Barc), 2021 May;156:485-495). This amino acid position is not well conserved in available vertebrate species. In addition, this alteration is predicted to be neutral by in silico analysis (Choi Y et al. PLoS ONE. 2012; 7(10):e46688). Based on the available evidence, the clinical significance of this variant remains unclear.

GeneDx
Classification: Uncertain significance. Last evaluated: 2023-10-24. Review status: criteria provided, single submitter. Criteria: GeneDx Variant Classification Process June 2021. Collection method: clinical testing. Allele origin: germline. Affected: yes.
Comment: Identified in a patient with DCM in published literature; this patient also harbored a frameshift variant in the TTN gene (PMID: 32826072); In silico analysis supports that this variant does not alter protein structure/function; This variant is associated with the following publications: (PMID: 32826072)

Fulgent Genetics
Classification: Uncertain significance for Myofibrillar myopathy 6; Dilated cardiomyopathy 1HH. Last evaluated: 2021-07-07. Review status: criteria provided, single submitter. Criteria: ACMG Guidelines, 2015. Collection method: clinical testing. Allele origin: unknown.

PreventionGenetics, part of Exact Sciences
Classification: Uncertain significance for BAG3-related condition. Last evaluated: 2024-07-03. Review status: no assertion criteria provided. Collection method: clinical testing. Allele origin: germline. Not counted in ClinVar's aggregate classification.
Comment: The BAG3 c.451_452delinsCA variant is predicted to result in an in-frame deletion and insertion. To our knowledge, this variant has not been reported in the literature or in a large population database, indicating this variant is rare. An alternate substitution of this amino acid (p.Cys151Arg) has been reported in associated studies of dilated cardiomyopathy (see for example Villard et al. 2011. PubMed ID: 21459883). At this time, the clinical significance of this variant is uncertain due to the absence of conclusive functional and genetic evidence.

Literature cited by the submitters: PubMed 32826072 (cited by Ambry Genetics).